The following is an entry in ClinVar:

ClinVar aggregate classification (germline): Uncertain significance (1 of 4 stars; one submission).

Conditions:
Bethlem myopathy 1A. Also called: Bethlem myopathy 1; MYOPATHY, BENIGN CONGENITAL, WITH CONTRACTURES; Bethlem Muscular Dystrophy. Identifiers: Orphanet 610, MedGen CN029274, MONDO:0024530, OMIM 158810.

Submission:

Labcorp Genetics (formerly Invitae), Labcorp
Classification: Uncertain significance for Bethlem myopathy 1A. Last evaluated: 2024-06-16. Review status: criteria provided, single submitter. Criteria: Invitae Variant Classification Sherloc (09022015). Collection method: clinical testing. Allele origin: germline.
Comment: This sequence change replaces tyrosine, which is neutral and polar, with asparagine, which is neutral and polar, at codon 1250 of the COL6A3 protein (p.Tyr1250Asn). This variant is not present in population databases (gnomAD no frequency). This variant has not been reported in the literature in individuals affected with COL6A3-related conditions. Advanced modeling of protein sequence and biophysical properties (such as structural, functional, and spatial information, amino acid conservation, physicochemical variation, residue mobility, and thermodynamic stability) performed at Invitae indicates that this missense variant is not expected to disrupt COL6A3 protein function with a negative predictive value of 80%. In summary, the available evidence is currently insufficient to determine the role of this variant in disease. Therefore, it has been classified as a Variant of Uncertain Significance.

NM_004369.4(COL6A3):c.3748T>A (p.Tyr1250Asn)

Gene: COL6A3 (collagen type VI alpha 3 chain; minus strand). Cytogenetic location: 2q37.3.
Variant type: single nucleotide variant.
Coding change: c.3748T>A on transcript NM_004369.4 (MANE Select); coding-DNA position 3748, T replaced by A.
Protein change: p.Tyr1250Asn; replaces tyrosine 1250 with asparagine.
Molecular consequence: missense variant.
Genome position (GRCh38, 1-based): chr2:237,372,269, A>T on the plus strand (T>A on the coding strand, the complement: COL6A3 is on the minus strand). VCF-style: chr2-237372269-A-T. GRCh37 (hg19) VCF-style: chr2-238280912-A-T.
Other names: c.2527T>A, p.Tyr843Asn (NM_057164.5); c.3130T>A, p.Tyr1044Asn (NM_057165.5, NM_057167.4); c.1927T>A, p.Tyr643Asn (NM_057166.5); short protein forms Y1044N, Y843N, Y1250N, Y643N.
Identifiers: ClinVar variation 3656777 (VCV003656777.2).